The following is an entry in ClinVar:

NM_024422.6(DSC2):c.2508+6T>C

Gene: DSC2 (desmocollin 2; minus strand). Cytogenetic location: 18q12.1.
Variant type: single nucleotide variant.
Coding change: c.2508+6T>C on transcript NM_024422.6 (MANE Select); 6 bases into the intron after coding-DNA position 2508, T replaced by C.
Molecular consequence: intron variant.
Genome position (GRCh38, 1-based): chr18:31,068,888, A>G on the plus strand (T>C on the coding strand, the complement: DSC2 is on the minus strand). VCF-style: chr18-31068888-A-G. GRCh37 (hg19) VCF-style: chr18-28648854-A-G.
Other names: c.2508+6T>C (NM_004949.5).
Identifiers: ClinVar variation 1970771 (VCV001970771.4), dbSNP rs1986720101, ClinGen allele CA2293645810.
Genomic context (GRCh38, chr18:31,068,888, plus strand): 5'-CAGTTAGTTATTTATAAAGTTTAAAGAAAATTAAAATAGATTTGTAGGCCACTTAGGAAA[A>G]CTCACTTCACCAAGACGGGGCTGAGTAAAACTGTGCCACTCCGAGTAAGTGTATCTGCAG-3'

ClinVar aggregate classification (germline): Uncertain significance. Review status: criteria provided, multiple submitters, no conflicts (2 of 4 stars). 2 submissions from 2 submitters: Uncertain significance (2). Last evaluated 2024-12-10.

Conditions:
Arrhythmogenic right ventricular dysplasia 11. Also called: ARRHYTHMOGENIC RIGHT VENTRICULAR DYSPLASIA, FAMILIAL, 11; Arrhythmogenic Right Ventricular Dysplasia/Cardiomyopathy11; Arrhythmogenic right ventricular dysplasia 11 with mild palmoplantar keratoderma and woolly hair. Identifiers: MedGen C1864850, MONDO:0012506, OMIM 610476.

Allele frequency attached by ClinVar (database versions not stated): TOPMed below 0.00001.

Submissions (2):

Dasa
Classification: Uncertain significance. Last evaluated: 2024-12-10. Review status: criteria provided, single submitter. Criteria: DASA Assertion Criteria. Collection method: clinical testing. Allele origin: germline.
Comment: NM_024422.6(DSC2):c.2508+6T>C is a splice-region variant predicted to affect normal RNA splicing. This variant is absent from population databases. Computational prediction algorithms are consistent with a deleterious effect. The currently available literature and clinical evidence are not sufficient to establish a definitive association between this variant and the reported condition. Therefore, this variant is classified as a variant of uncertain significance.

Labcorp Genetics (formerly Invitae), Labcorp
Classification: Uncertain significance for Arrhythmogenic right ventricular dysplasia 11. Last evaluated: 2022-07-30. Review status: criteria provided, single submitter. Criteria: Invitae Variant Classification Sherloc (09022015). Collection method: clinical testing. Allele origin: germline.
Comment: This sequence change falls in intron 15 of the DSC2 gene. It does not directly change the encoded amino acid sequence of the DSC2 protein. It affects a nucleotide within the consensus splice site. This variant is not present in population databases (gnomAD no frequency). This variant has not been reported in the literature in individuals affected with DSC2-related conditions. Variants that disrupt the consensus splice site are a relatively common cause of aberrant splicing (PMID: 17576681, 9536098). Algorithms developed to predict the effect of sequence changes on RNA splicing suggest that this variant may disrupt the consensus splice site. In summary, the available evidence is currently insufficient to determine the role of this variant in disease. Therefore, it has been classified as a Variant of Uncertain Significance.

Literature cited by the submitters: PubMed 17576681 (cited by Labcorp Genetics (formerly Invitae), Labcorp); PubMed 9536098 (cited by Labcorp Genetics (formerly Invitae), Labcorp).